The following is an entry in ClinVar:

ClinVar aggregate classification (germline): Uncertain significance (1 of 4 stars; one submission).

Conditions:
Dilated cardiomyopathy 1W (CMD1W). Identifiers: Orphanet 154, MedGen C1969639, MONDO:0012667, OMIM 611407.

Submission:

Labcorp Genetics (formerly Invitae), Labcorp
Classification: Uncertain significance for Dilated cardiomyopathy 1W. Last evaluated: 2022-06-13. Review status: criteria provided, single submitter. Criteria: Invitae Variant Classification Sherloc (09022015). Collection method: clinical testing. Allele origin: germline.
Comment: In summary, the available evidence is currently insufficient to determine the role of this variant in disease. Therefore, it has been classified as a Variant of Uncertain Significance. Algorithms developed to predict the effect of sequence changes on RNA splicing suggest that this variant may disrupt the consensus splice site. This variant has not been reported in the literature in individuals affected with VCL-related conditions. This variant is not present in population databases (gnomAD no frequency). This sequence change affects a donor splice site in intron 9 of the VCL gene. It is expected to disrupt RNA splicing. Variants that disrupt the donor or acceptor splice site typically lead to a loss of protein function (PMID: 16199547), however the current clinical and genetic evidence is not sufficient to establish whether loss-of-function variants in VCL cause disease.

Literature cited by the submitters: PubMed 16199547.

NM_014000.3(VCL):c.1176+1G>A

Gene: VCL (vinculin; plus strand). Cytogenetic location: 10q22.2.
Variant type: single nucleotide variant.
Coding change: c.1176+1G>A on transcript NM_014000.3 (MANE Select); the canonical splice donor site of the intron after coding-DNA position 1176, G replaced by A.
Molecular consequence: splice donor variant.
Genome position (GRCh38, 1-based): chr10:74,089,350, G>A. VCF-style: chr10-74089350-G-A. GRCh37 (hg19) VCF-style: chr10-75849108-G-A.
Other names: c.1176+1G>A (NM_003373.4).
Identifiers: ClinVar variation 2002991 (VCV002002991.4), dbSNP rs2549222779, ClinGen allele CA377273030.